The following is an entry in ClinVar:

NM_001365999.1(SZT2):c.328-6C>T

Gene: SZT2 (SZT2 subunit of KICSTOR complex; plus strand). Cytogenetic location: 1p34.2.
Variant type: single nucleotide variant.
Coding change: c.328-6C>T on transcript NM_001365999.1 (MANE Select); 6 bases into the intron before coding-DNA position 328, C replaced by T.
Molecular consequence: intron variant.
Genome position (GRCh38, 1-based): chr1:43,404,374, C>T. VCF-style: chr1-43404374-C-T. GRCh37 (hg19) VCF-style: chr1-43870045-C-T.
Other names: c.328-6C>T (NM_015284.4).
Identifiers: ClinVar variation 697828 (VCV000697828.12), dbSNP rs771488309, ClinGen allele CA808147.

ClinVar aggregate classification (germline): Likely benign. Review status: criteria provided, multiple submitters, no conflicts (2 of 4 stars). 4 submissions from 4 submitters: Likely benign (3). 1 of the submissions does not count toward it. Last evaluated 2025-11-27.

Conditions:
SZT2-related disorder. Also called: SZT2-related condition.

Allele frequency attached by ClinVar (database versions not stated): ExAC 0.00007; gnomAD exomes 0.00010 and 0.00011; TOPMed 0.00010; gnomAD 0.00016 and 0.00014.
gnomAD v4.1: 186 of 1,609,928 alleles (0.012%); highest among the groups gnomAD compares: Non-Finnish European, 0.015%; no homozygotes.

Submissions (4):

Labcorp Genetics (formerly Invitae), Labcorp
Classification: Likely benign. Last evaluated: 2025-11-27. Review status: criteria provided, single submitter. Criteria: Invitae Variant Classification Sherloc (09022015). Collection method: clinical testing. Allele origin: germline.

Blueprint Genetics
Classification: Likely benign. Last evaluated: 2024-11-04. Review status: criteria provided, single submitter. Criteria: ACMG Guidelines, 2015. Collection method: clinical testing. Allele origin: germline.

Breakthrough Genomics
Classification: Likely benign. Review status: criteria provided, single submitter. Criteria: ACMG Guidelines, 2015. Collection method: not provided. Allele origin: germline. Inheritance: Autosomal recessive inheritance. Affected: yes.

PreventionGenetics, part of Exact Sciences
Classification: Likely benign for SZT2-related condition. Last evaluated: 2019-06-13. Review status: no assertion criteria provided. Collection method: clinical testing. Allele origin: germline. Not counted in ClinVar's aggregate classification.
Comment: This variant is classified as likely benign based on ACMG/AMP sequence variant interpretation guidelines (Richards et al. 2015 PMID: 25741868, with internal and published modifications).